The following is an entry in ClinVar:

NM_018474.6(KIZ):c.1192C>A (p.Pro398Thr)

Gene: KIZ (kizuna centrosomal protein; plus strand). Cytogenetic location: 20p11.23.
Variant type: single nucleotide variant.
Coding change: c.1192C>A on transcript NM_018474.6 (MANE Select); coding-DNA position 1192, C replaced by A.
Protein change: p.Pro398Thr; replaces proline 398 with threonine.
Molecular consequence: missense variant.
Genome position (GRCh38, 1-based): chr20:21,162,999, C>A. VCF-style: chr20-21162999-C-A. GRCh37 (hg19) VCF-style: chr20-21143640-C-A.
Other names: c.883C>A, p.Pro295Thr (NM_001163022.3, NM_001352435.2); c.793C>A, p.Pro265Thr (NM_001163023.3); c.1045C>A, p.Pro349Thr (NM_001276389.2); c.1192C>A, p.Pro398Thr (NM_001352434.2); c.850C>A, p.Pro284Thr (NM_001352436.2); short protein forms P284T, P265T, P349T, P398T, P295T.
Identifiers: ClinVar variation 1348774 (VCV001348774.6), dbSNP rs761233270, ClinGen allele CA9784791.

ClinVar aggregate classification (germline): Uncertain significance. Review status: criteria provided, multiple submitters, no conflicts (2 of 4 stars). 2 submissions from 2 submitters: Uncertain significance (2). Last evaluated 2024-08-21.

Allele frequency attached by ClinVar (database versions not stated): gnomAD exomes 0.00001; ExAC 0.00002; gnomAD 0.00002 and 0.00003; TOPMed 0.00002.
gnomAD v4.1: 19 of 1,613,722 alleles (0.0012%); highest among the groups gnomAD compares: Admixed American, 0.0017%; no homozygotes.

Submissions (2):

Blueprint Genetics
Classification: Uncertain significance. Last evaluated: 2024-08-21. Review status: criteria provided, single submitter. Criteria: ACMG Guidelines, 2015. Collection method: clinical testing. Allele origin: germline.

Labcorp Genetics (formerly Invitae), Labcorp
Classification: Uncertain significance. Last evaluated: 2024-02-05. Review status: criteria provided, single submitter. Criteria: Invitae Variant Classification Sherloc (09022015). Collection method: clinical testing. Allele origin: germline.
Comment: This sequence change replaces proline, which is neutral and non-polar, with threonine, which is neutral and polar, at codon 398 of the KIZ protein (p.Pro398Thr). This variant is present in population databases (rs761233270, gnomAD 0.003%). This variant has not been reported in the literature in individuals affected with KIZ-related conditions. ClinVar contains an entry for this variant (Variation ID: 1348774). Experimental studies and prediction algorithms are not available or were not evaluated, and the functional significance of this variant is currently unknown. In summary, the available evidence is currently insufficient to determine the role of this variant in disease. Therefore, it has been classified as a Variant of Uncertain Significance.